The following is an entry in ClinVar:

NM_014639.4(SKIC3):c.407C>T (p.Ala136Val)

Gene: SKIC3 (SKI3 subunit of superkiller complex; minus strand). Cytogenetic location: 5q15.
Variant type: single nucleotide variant.
Coding change: c.407C>T on transcript NM_014639.4 (MANE Select); coding-DNA position 407, C replaced by T.
Protein change: p.Ala136Val; replaces alanine 136 with valine.
Molecular consequence: missense variant.
Genome position (GRCh38, 1-based): chr5:95,540,826, G>A on the plus strand (C>T on the coding strand, the complement: SKIC3 is on the minus strand). VCF-style: chr5-95540826-G-A. GRCh37 (hg19) VCF-style: chr5-94876530-G-A.
Other names: short protein forms A136V.
Identifiers: ClinVar variation 2080474 (VCV002080474.1), dbSNP rs200119720, ClinGen allele CA3347606.

ClinVar aggregate classification (germline): Uncertain significance (1 of 4 stars; one submission).

Allele frequency attached by ClinVar (database versions not stated): ExAC 0.00001; gnomAD 0.00001; gnomAD exomes 0.00001; TOPMed 0.00001.
gnomAD v4.1: 19 of 1,613,720 alleles (0.0012%); highest among the groups gnomAD compares: Non-Finnish European, 0.0015%; no homozygotes.

Submission:

Labcorp Genetics (formerly Invitae), Labcorp
Classification: Uncertain significance. Last evaluated: 2022-03-16. Review status: criteria provided, single submitter. Criteria: Invitae Variant Classification Sherloc (09022015). Collection method: clinical testing. Allele origin: germline.
Comment: This sequence change replaces alanine, which is neutral and non-polar, with valine, which is neutral and non-polar, at codon 136 of the TTC37 protein (p.Ala136Val). This variant is present in population databases (rs200119720, gnomAD 0.007%). This variant has not been reported in the literature in individuals affected with TTC37-related conditions. Algorithms developed to predict the effect of missense changes on protein structure and function are either unavailable or do not agree on the potential impact of this missense change (SIFT: "Deleterious"; PolyPhen-2: "Probably Damaging"; Align-GVGD: "Class C0"). In summary, the available evidence is currently insufficient to determine the role of this variant in disease. Therefore, it has been classified as a Variant of Uncertain Significance.